The following is an entry in ClinVar:

NM_015338.6(ASXL1):c.1383G>A (p.Leu461=)

Gene: ASXL1 (ASXL transcriptional regulator 1; plus strand). Cytogenetic location: 20q11.21.
Variant type: single nucleotide variant.
Coding change: c.1383G>A on transcript NM_015338.6 (MANE Select); coding-DNA position 1383, G replaced by A.
Protein change: p.Leu461=; no amino-acid change (leucine 461 retained).
Molecular consequence: synonymous variant.
Genome position (GRCh38, 1-based): chr20:32,433,581, G>A. VCF-style: chr20-32433581-G-A. GRCh37 (hg19) VCF-style: chr20-31021384-G-A.
Other names: c.1200G>A, p.Leu400= (NM_001363734.1).
Identifiers: ClinVar variation 1209156 (VCV001209156.34), dbSNP rs370914837, ClinGen allele CA9808342.

ClinVar aggregate classification (germline): Likely benign. Review status: criteria provided, multiple submitters, no conflicts (2 of 4 stars). 5 submissions from 5 submitters: Likely benign (5). Last evaluated 2026-02-22.

Conditions:
Inborn genetic diseases. Identifiers: MedGen C0950123, MeSH D030342.
ASXL1-related disorder. Also called: ASXL1-related disorders; ASXL1-related condition.

Allele frequency attached by ClinVar (database versions not stated): ExAC 0.00004; gnomAD exomes 0.00004 and 0.00008; TOPMed 0.00006; gnomAD 0.00008 and 0.00009; ESP Exome Variant Server 0.00015.
gnomAD v4.1: 134 of 1,614,054 alleles (0.0083%); highest among the groups gnomAD compares: Non-Finnish European, 0.011%; no homozygotes.

Submissions (5):

PreventionGenetics, part of Exact Sciences
Classification: Likely benign for ASXL1-related condition. Last evaluated: 2026-02-22. Review status: criteria provided, single submitter. Criteria: ACMG Guidelines, 2015. Collection method: clinical testing. Allele origin: germline.
Comment: This variant is classified as likely benign based on ACMG/AMP sequence variant interpretation guidelines (Richards et al. 2015 PMID: 25741868, with internal and published modifications).

CeGaT Center for Human Genetics Tuebingen
Classification: Likely benign. Last evaluated: 2026-01-01. Review status: criteria provided, single submitter. Criteria: CeGaT Center For Human Genetics Tuebingen Variant Classification Criteria Version 2. Collection method: clinical testing. Allele origin: germline. Affected: yes. Observed: 2 variant alleles.
Comment: ASXL1: BP4, BP7

Ambry Genetics
Classification: Likely benign for Inborn genetic diseases. Last evaluated: 2024-11-22. Review status: criteria provided, single submitter. Criteria: Ambry Variant Classification Scheme 2023. Collection method: clinical testing. Allele origin: germline.

Labcorp Genetics (formerly Invitae), Labcorp
Classification: Likely benign. Last evaluated: 2023-04-06. Review status: criteria provided, single submitter. Criteria: Invitae Variant Classification Sherloc (09022015). Collection method: clinical testing. Allele origin: germline.

GeneDx
Classification: Likely benign. Last evaluated: 2020-08-04. Review status: criteria provided, single submitter. Criteria: GeneDx Variant Classification Process June 2021. Collection method: clinical testing. Allele origin: germline. Affected: yes.